The following is an entry in ClinVar:

ClinVar aggregate classification (germline): Pathogenic (1 of 4 stars; one submission).

Submission:

Labcorp Genetics (formerly Invitae), Labcorp
Classification: Pathogenic. Last evaluated: 2019-04-19. Review status: criteria provided, single submitter. Criteria: Invitae Variant Classification Sherloc (09022015). Collection method: clinical testing. Allele origin: germline.
Comment: A gross deletion of the genomic region encompassing the full coding sequence of the GLE1 gene has been identified. The boundaries of this event are unknown as the deletion extends beyond the assayed region for this gene and therefore may encompass additional genes. This variant has not been reported in the literature in individuals with GLE1-related conditions. Loss-of-function variants in GLE1 are known to be pathogenic (PMID: 18204449, 24243016). For these reasons, this variant has been classified as Pathogenic.

Literature cited by the submitters: PubMed 18204449; PubMed 24243016.

NC_000009.12:g.(?_127815672)_(128541180_?)del

Genes: LCN2 (lipocalin 2; plus strand), SLC25A25 (solute carrier family 25 member 25; plus strand), SLC27A4 (solute carrier family 27 member 4; plus strand), MIR199B (microRNA 199b; minus strand), NAIF1 (nuclear apoptosis inducing factor 1; minus strand) and 19 more. Cytogenetic location: 9q34.11.
Variant type: Deletion.
Identifiers: ClinVar variation 831938 (VCV000831938.2).